The following is an entry in ClinVar:

NM_001363118.2(SLC52A2):c.926C>T (p.Ala309Val)

Gene: SLC52A2 (solute carrier family 52 member 2; plus strand). Cytogenetic location: 8q24.3.
Variant type: single nucleotide variant.
Coding change: c.926C>T on transcript NM_001363118.2 (MANE Select); coding-DNA position 926, C replaced by T.
Protein change: p.Ala309Val; replaces alanine 309 with valine.
Molecular consequence: missense variant. On other transcripts: non-coding transcript variant (1).
Genome position (GRCh38, 1-based): chr8:144,360,418, C>T. VCF-style: chr8-144360418-C-T. GRCh37 (hg19) VCF-style: chr8-145584078-C-T.
Other names: c.926C>T, p.Ala309Val (NM_001253815.2, NM_001253816.2, NM_001363120.2 and 2 more transcripts); c.434C>T, p.Ala145Val (NM_001363122.2); short protein forms A309V, A145V.
Identifiers: ClinVar variation 473209 (VCV000473209.6), dbSNP rs1554854307, ClinGen allele CA372628365.

ClinVar aggregate classification (germline): Uncertain significance (1 of 4 stars; one submission).

Conditions:
Brown-Vialetto-van Laere syndrome 2. Also called: Riboflavin transporter deficiency type 2; SPINOCEREBELLAR ATAXIA WITH BLINDNESS AND DEAFNESS 2. Identifiers: Orphanet 572543, Orphanet 97229, MedGen C3553538, MONDO:0013867, OMIM 614707.

gnomAD v4.1: 1 of 1,606,904 alleles (0.000062%); no homozygotes.

Submission:

Labcorp Genetics (formerly Invitae), Labcorp
Classification: Uncertain significance for Brown-Vialetto-van Laere syndrome 2. Last evaluated: 2021-02-03. Review status: criteria provided, single submitter. Criteria: Invitae Variant Classification Sherloc (09022015). Collection method: clinical testing. Allele origin: germline.
Comment: This sequence change replaces alanine with valine at codon 309 of the SLC52A2 protein (p.Ala309Val). The alanine residue is highly conserved and there is a small physicochemical difference between alanine and valine. In summary, this variant is a novel missense change with uncertain impact on protein function. It has been classified as a Variant of Uncertain Significance. Algorithms developed to predict the effect of missense changes on protein structure and function do not agree on the potential impact of this missense change (SIFT: "Tolerated"; PolyPhen-2: "Possibly Damaging"; Align-GVGD: "Class C0"). This variant is not present in population databases (ExAC no frequency) and has not been reported in the literature in individuals with a SLC52A2-related disease.